The following is an entry in ClinVar:

ClinVar aggregate classification (germline): Likely benign. Review status: reviewed by expert panel (3 of 4 stars). 3 submissions from 3 submitters: Likely benign (1). 2 of the submissions do not count toward it. Last evaluated 2023-07-25.

Conditions:
Hereditary antithrombin deficiency (AT3D). Also called: Antithrombin deficiency; Antithrombin III deficiency; Thrombophilia due to antithrombin III deficiency; Reduced antithrombin III activity. Identifiers: Orphanet 82, MedGen C0272375, MONDO:0013144, OMIM 613118, HP:0001976.
SERPINC1-related disorder. Also called: SERPINC1-related condition.

Allele frequency attached by ClinVar (database versions not stated): gnomAD 0.00006; TOPMed 0.00008; 1000 Genomes Project 30x 0.00016; 1000 Genomes Project 0.00020; ExAC 0.00023; gnomAD exomes 0.00023.
gnomAD v4.1: 95 of 1,614,130 alleles (0.0059%); highest among the groups gnomAD compares: East Asian, 0.049%; no homozygotes.

Submissions (3):

Clingen Thrombosis Variant Curation Expert Panel, ClinGen
Classification: Likely benign for Hereditary antithrombin deficiency. Last evaluated: 2023-07-25. Review status: reviewed by expert panel. Criteria: ClinGen ACMG Specifications SERPINC1 V1.0.0. Collection method: curation. Allele origin: germline. Inheritance: Autosomal dominant inheritance.
Comment: The NM_000488.4(SERPINC1):c.719A>G variant predicts a missense change at position 240, from Asparagine to Serine. This variant is present gnomAD (v2.1.1 and v3.1.1) with a MAF of 0.0208% and no homozygotes. Functional testing of HEK293 cells transfected with c.719A>G (p.Asn240Ser) revealed AT antigen levels of 88.8± 4.5%, AT specific activity of 105.4± 2.0%, and Anti-FXa total activity of 95.7± 2.7%. This missense variant has a REVEL score of 0.732, meeting criteria for PP3. In summary, the variant meets criteria to be classified as benign. ACMG/AMP criteria applied, as specified by the Thrombosis Variant Curation Expert Panel for SERPINC1: BS1, BS3_Supporting, PP3. While the variant meets conflicting pathogenic (PP3) and benign (BS1, BS3_Supproting) codes, the overall score based on the Bayesian framework is -4 (PMID: 32720330), resulting in a likely benign classification.

Labcorp Genetics (formerly Invitae), Labcorp
Classification: Likely benign for Hereditary antithrombin deficiency. Last evaluated: 2025-12-29. Review status: criteria provided, single submitter. Criteria: Invitae Variant Classification Sherloc (09022015). Collection method: clinical testing. Allele origin: germline. Not counted in ClinVar's aggregate classification.

PreventionGenetics, part of Exact Sciences
Classification: Likely benign for SERPINC1-related condition. Last evaluated: 2025-07-31. Review status: criteria provided, single submitter. Criteria: ACMG Guidelines, 2015. Collection method: clinical testing. Allele origin: germline. Not counted in ClinVar's aggregate classification.
Comment: This variant is classified as likely benign based on ACMG/AMP sequence variant interpretation guidelines (Richards et al. 2015 PMID: 25741868, with internal and published modifications).

NM_000488.4(SERPINC1):c.719A>G (p.Asn240Ser)

Gene: SERPINC1 (serpin family C member 1; minus strand). Cytogenetic location: 1q25.1.
Variant type: single nucleotide variant.
Coding change: c.719A>G on transcript NM_000488.4 (MANE Select); coding-DNA position 719, A replaced by G.
Protein change: p.Asn240Ser; replaces asparagine 240 with serine.
Molecular consequence: missense variant.
Genome position (GRCh38, 1-based): chr1:173,910,797, T>C on the plus strand (A>G on the coding strand, the complement: SERPINC1 is on the minus strand). VCF-style: chr1-173910797-T-C. GRCh37 (hg19) VCF-style: chr1-173879935-T-C.
Other names: NM_000488.4(SERPINC1):c.719A>G; p.Asn240Ser; c.575A>G, p.Asn192Ser (NM_001365052.2); c.719A>G, p.Asn240Ser (NM_001386302.1, NM_001386304.1, NM_001386305.1); c.800A>G, p.Asn267Ser (NM_001386303.1); c.503A>G, p.Asn168Ser (NM_001386306.1); c.719A>G (NM_000488.3); short protein forms N168S, N192S, N240S, N267S.
Identifiers: ClinVar variation 1094336 (VCV001094336.10), dbSNP rs200861147, ClinGen allele CA1251357.
Genomic context (GRCh38, chr1:173,910,797, plus strand): 5'-AGGGCCATTCTGAGTACCTTGAAGTAAATGGTGTTAACCAGCACCAGAACAGTGAGCTCA[T>C]TGATGGCTTCCGAGGGAATGACATCGGTGATTCGGCCTTCGGTCTTATTGGACACCCATT-3'
Protein context (NP_000479.1, residues 230-250): ITDVIPSEAI[Asn240Ser]ELTVLVLVNT